The following is an entry in ClinVar:

ClinVar aggregate classification (germline): Pathogenic. Review status: criteria provided, single submitter (1 of 4 stars). 2 submissions from 2 submitters: Pathogenic (1). 1 of the submissions does not count toward it. Last evaluated 2025-09-26.

Conditions:
Mesangiocapillary glomerulonephritis. Also called: Membranoproliferative glomerulonephritis. Identifiers: MedGen C0017662, MONDO:0002461, HP:0000793.
Immunoglobulin-mediated membranoproliferative glomerulonephritis. Also called: NEPHROTIC SYNDROME, TYPE 7, WITH MEMBRANOPROLIFERATIVE GLOMERULONEPHRITIS; Nephrotic syndrome, type 7. Identifiers: Orphanet 329903, MedGen C3554330, MONDO:0014005, OMIM 615008.

Submissions (2):

Genomenon, Inc
Classification: Pathogenic for Primary membranoproliferative glomerulonephritis. Last evaluated: 2025-09-26. Review status: criteria provided, single submitter. Criteria: Genomenon Sequence Variant Interpretation Standards - Updated. Collection method: curation. Allele origin: germline. Affected: yes.
Comment: DGKE c.889-2A>G is a splice variant located in the acceptor splice region of intron 5. This variant has been observed in at least one proband affected with membranoproliferative glomerulonephritis (PMID:23274426). The variant was found to segregate with disease in at least one affected family (PMID:23274426). At least one splicing study identified that this variant results in aberrant splicing (PMID:23274426). It is absent or not present at a significant frequency in gnomAD. In conclusion, we classify DGKE c.889-2A>G as a pathogenic variant.

OMIM
Classification: Pathogenic for NEPHROTIC SYNDROME, TYPE 7. Last evaluated: 2013-02-01. Review status: no assertion criteria provided. Collection method: literature only. Allele origin: germline. Not counted in ClinVar's aggregate classification.

Literature cited by the submitters: PubMed 23274426 (cited by Genomenon, Inc and OMIM).

NM_003647.3(DGKE):c.889-2A>G

Gene: DGKE (diacylglycerol kinase epsilon; plus strand). Cytogenetic location: 17q22.
Variant type: single nucleotide variant.
Coding change: c.889-2A>G on transcript NM_003647.3 (MANE Select); the canonical splice acceptor site of the intron before coding-DNA position 889, A replaced by G.
Molecular consequence: splice acceptor variant.
Genome position (GRCh38, 1-based): chr17:56,848,694, A>G. VCF-style: chr17-56848694-A-G. GRCh37 (hg19) VCF-style: chr17-54926055-A-G.
Other names: IVS5AS, A-G, -2.
Identifiers: ClinVar variation 39580 (VCV000039580.2), dbSNP rs879255231, ClinGen allele CA10575567.